The following is an entry in ClinVar:

NM_001330078.2(NRXN1):c.93G>T (p.Leu31=)

Gene: NRXN1 (neurexin 1; minus strand). Cytogenetic location: 2p16.3.
Variant type: single nucleotide variant.
Coding change: c.93G>T on transcript NM_001330078.2 (MANE Select); coding-DNA position 93, G replaced by T.
Protein change: p.Leu31=; no amino-acid change (leucine 31 retained).
Molecular consequence: synonymous variant.
Genome position (GRCh38, 1-based): chr2:51,028,181, C>A on the plus strand (G>T on the coding strand, the complement: NRXN1 is on the minus strand). VCF-style: chr2-51028181-C-A. GRCh37 (hg19) VCF-style: chr2-51255319-C-A.
Other names: c.93G>T, p.Leu31= (NM_001135659.3, NM_001330077.2, NM_001330079.2 and 15 more transcripts).
Identifiers: ClinVar variation 381836 (VCV000381836.9), dbSNP rs201539806, ClinGen allele CA1655560.

ClinVar aggregate classification (germline): Likely benign. Review status: criteria provided, multiple submitters, no conflicts (2 of 4 stars). 2 submissions from 2 submitters: Likely benign (2). Last evaluated 2025-10-20.

Conditions:
Pitt-Hopkins-like syndrome 2 (PTHSL2). Identifiers: Orphanet 221150, Orphanet 600663, MedGen C3280479, MONDO:0013690, OMIM 614325.

Allele frequency attached by ClinVar (database versions not stated): ExAC below 0.00001; gnomAD exomes 0.00001; gnomAD 0.00003 and 0.00004; TOPMed 0.00004.
gnomAD v4.1: 43 of 1,510,414 alleles (0.0028%); highest among the groups gnomAD compares: Non-Finnish European, 0.0036%; no homozygotes.

Submissions (2):

Labcorp Genetics (formerly Invitae), Labcorp
Classification: Likely benign for Pitt-Hopkins-like syndrome 2. Last evaluated: 2025-10-20. Review status: criteria provided, single submitter. Criteria: Invitae Variant Classification Sherloc (09022015). Collection method: clinical testing. Allele origin: germline.

GeneDx
Classification: Likely benign. Last evaluated: 2015-11-20. Review status: criteria provided, single submitter. Criteria: GeneDx Variant Classification (06012015). Collection method: clinical testing. Allele origin: germline. Affected: yes.
Comment: This variant is considered likely benign or benign based on one or more of the following criteria: it is a conservative change, it occurs at a poorly conserved position in the protein, it is predicted to be benign by multiple in silico algorithms, and/or has population frequency not consistent with disease.